The following is an entry in ClinVar:

NM_006208.3(ENPP1):c.454T>G (p.Phe152Val)

Gene: ENPP1 (ectonucleotide pyrophosphatase/phosphodiesterase 1; plus strand). Cytogenetic location: 6q23.2.
Variant type: single nucleotide variant.
Coding change: c.454T>G on transcript NM_006208.3 (MANE Select); coding-DNA position 454, T replaced by G.
Protein change: p.Phe152Val; replaces phenylalanine 152 with valine.
Molecular consequence: missense variant.
Genome position (GRCh38, 1-based): chr6:131,851,165, T>G. VCF-style: chr6-131851165-T-G. GRCh37 (hg19) VCF-style: chr6-132172305-T-G.
Other names: short protein forms F152V.
Identifiers: ClinVar variation 2966045 (VCV002966045.3), dbSNP rs2483461572, ClinGen allele CA365661192.

ClinVar aggregate classification (germline): Uncertain significance (1 of 4 stars; one submission).

Allele frequency attached by ClinVar (database versions not stated): gnomAD exomes below 0.00001.
gnomAD v4.1: 1 of 1,614,062 alleles (0.000062%); highest among the groups gnomAD compares: Non-Finnish European, 0.000085%; no homozygotes.

Submission:

Labcorp Genetics (formerly Invitae), Labcorp
Classification: Uncertain significance. Last evaluated: 2023-10-24. Review status: criteria provided, single submitter. Criteria: Invitae Variant Classification Sherloc (09022015). Collection method: clinical testing. Allele origin: germline.
Comment: This sequence change replaces phenylalanine, which is neutral and non-polar, with valine, which is neutral and non-polar, at codon 152 of the ENPP1 protein (p.Phe152Val). This variant is not present in population databases (gnomAD no frequency). This variant has not been reported in the literature in individuals affected with ENPP1-related conditions. Advanced modeling of protein sequence and biophysical properties (such as structural, functional, and spatial information, amino acid conservation, physicochemical variation, residue mobility, and thermodynamic stability) performed at Invitae indicates that this missense variant is not expected to disrupt ENPP1 protein function with a negative predictive value of 80%. In summary, the available evidence is currently insufficient to determine the role of this variant in disease. Therefore, it has been classified as a Variant of Uncertain Significance.